The following is an entry in ClinVar:

ClinVar aggregate classification (germline): Uncertain significance. Review status: criteria provided, multiple submitters, no conflicts (2 of 4 stars). 2 submissions from 2 submitters: Uncertain significance (2). Last evaluated 2024-12-14.

Conditions:
Hereditary cancer-predisposing syndrome. Also called: Neoplastic Syndromes, Hereditary; Tumor predisposition; Hereditary Cancer Syndrome; Hereditary neoplastic syndrome. Identifiers: Orphanet 140162, MedGen C0027672, MeSH D009386, MONDO:0015356.

Submissions (2):

Ambry Genetics
Classification: Uncertain significance for Hereditary cancer-predisposing syndrome. Last evaluated: 2024-12-14. Review status: criteria provided, single submitter. Criteria: Ambry Variant Classification Scheme 2023. Collection method: clinical testing. Allele origin: germline.
Comment: The p.K580T variant (also known as c.1739A>C), located in coding exon 11 of the PMS2 gene, results from an A to C substitution at nucleotide position 1739. The lysine at codon 580 is replaced by threonine, an amino acid with similar properties. This amino acid position is conserved. In addition, this alteration is predicted to be tolerated by in silico analysis. Based on the available evidence, the clinical significance of this variant remains unclear.

Color Diagnostics, LLC DBA Color Health
Classification: Uncertain significance for Hereditary cancer-predisposing syndrome. Last evaluated: 2024-03-06. Review status: criteria provided, single submitter. Criteria: ACMG Guidelines, 2015. Collection method: clinical testing. Allele origin: germline.
Comment: This missense variant replaces lysine with threonine at codon 580 of the PMS2 protein. Computational prediction tool suggests that this variant may not impact protein structure and function (internally defined REVEL score threshold <=0.5, PMID: 27666373). Splice site prediction tools suggest that this variant may not impact RNA splicing. To our knowledge, functional studies have not been performed for this variant. This variant has not been reported in individuals affected with hereditary cancer in the literature. This variant has not been identified in the general population by the Genome Aggregation Database (gnomAD). The available evidence is insufficient to determine the role of this variant in disease conclusively. Therefore, this variant is classified as a Variant of Uncertain Significance.

NM_000535.7(PMS2):c.1739A>C (p.Lys580Thr)

Gene: PMS2 (PMS1 homolog 2, mismatch repair system component; minus strand). Cytogenetic location: 7p22.1.
Variant type: single nucleotide variant.
Coding change: c.1739A>C on transcript NM_000535.7 (MANE Select); coding-DNA position 1739, A replaced by C.
Protein change: p.Lys580Thr; replaces lysine 580 with threonine.
Molecular consequence: missense variant. On other transcripts: non-coding transcript variant (1).
Genome position (GRCh38, 1-based): chr7:5,987,026, T>G on the plus strand (A>C on the coding strand, the complement: PMS2 is on the minus strand). VCF-style: chr7-5987026-T-G. GRCh37 (hg19) VCF-style: chr7-6026657-T-G.
Other names: c.1334A>C, p.Lys445Thr (NM_001322003.2, NM_001322004.2, NM_001322005.2 and 1 more transcripts); c.1583A>C, p.Lys528Thr (NM_001322006.2); c.1421A>C, p.Lys474Thr (NM_001322007.2, NM_001322008.2); c.1178A>C, p.Lys393Thr (NM_001322010.2); c.806A>C, p.Lys269Thr (NM_001322011.2, NM_001322012.2); c.1166A>C, p.Lys389Thr (NM_001322013.2); c.1739A>C, p.Lys580Thr (NM_001322014.2); c.1430A>C, p.Lys477Thr (NM_001322015.2); and 1 more; short protein forms K389T, K269T, K477T, K445T, K474T, K528T, K393T, K580T.
Identifiers: ClinVar variation 920898 (VCV000920898.5), dbSNP rs1782993888, ClinGen allele CA366740098.
Genomic context (GRCh38, chr7:5,987,026, plus strand): 5'-ATGTCCTGAGTATTTACTAACTTTTGACAAATGTCAGAACTGGAAAGAATTTCTTCTTTT[T>G]TAAAACGCTTTGTGTTTGGGGTTGCGAGATTAGTTGGCTGAGGCAAAACTCGAAATTTAC-3'
Protein context (NP_000526.2, residues 570-590): NLATPNTKRF[Lys580Thr]KEEILSSSDI